The following is an entry in ClinVar:

NM_018297.4(NGLY1):c.531dup (p.Asn178fs)

Gene: NGLY1 (N-glycanase 1; minus strand). Cytogenetic location: 3p24.2.
Variant type: Duplication.
Coding change: c.531dup on transcript NM_018297.4 (MANE Select); coding-DNA position 531, one base duplicated (C; older notation c.531dupC).
Protein change: p.Asn178fs; shifts the reading frame from asparagine 178.
Molecular consequence: frameshift variant.
Genome position (GRCh38, 1-based): chr3:25,751,225, G duplicated on the plus strand (C on the coding strand, the reverse complement: NGLY1 is on the minus strand); the first of 2 consecutive G bases (chr3:25,751,225-25,751,226); duplicating either gives the same sequence. VCF-style (leftmost placement, unchanged base first): chr3-25751224-T-TG. GRCh37 (hg19) VCF-style: chr3-25792715-T-TG.
Other names: c.531dup, p.Asn178fs (NM_001145293.2, NM_001145295.2); c.405dup, p.Asn136fs (NM_001145294.2); c.531dup (NM_018297.3); short protein forms N136fs, N178fs.
Identifiers: ClinVar variation 2875113 (VCV002875113.4), dbSNP rs1559544313, ClinGen allele CA542154915.

ClinVar aggregate classification (germline): Pathogenic. Review status: criteria provided, multiple submitters, no conflicts (2 of 4 stars). 2 submissions from 2 submitters: Pathogenic (2). Last evaluated 2026-03-26.

Conditions:
Congenital disorder of deglycosylation (CDDG). Identifiers: MedGen C3808991, MONDO:0031376.

Submissions (2):

GeneDx
Classification: Pathogenic. Last evaluated: 2026-03-26. Review status: criteria provided, single submitter. Criteria: GeneDx Variant Classification Process June 2021. Collection method: clinical testing. Allele origin: germline.
Comment: Frameshift variant predicted to result in protein truncation or nonsense mediated decay in a gene for which loss of function is a known mechanism of disease; Not observed at significant frequency in large population cohorts (gnomAD); This variant is associated with the following publications: (PMID: 32422350, 35243670)

Labcorp Genetics (formerly Invitae), Labcorp
Classification: Pathogenic for Congenital disorder of deglycosylation. Last evaluated: 2025-01-08. Review status: criteria provided, single submitter. Criteria: Invitae Variant Classification Sherloc (09022015). Collection method: clinical testing. Allele origin: germline.
Comment: This sequence change creates a premature translational stop signal (p.Asn178Glnfs*9) in the NGLY1 gene. It is expected to result in an absent or disrupted protein product. Loss-of-function variants in NGLY1 are known to be pathogenic (PMID: 24651605). This variant is present in population databases (no rsID available, gnomAD 0.003%). This premature translational stop signal has been observed in individual(s) with NGLY1-congenital disorder of glycosylation (PMID: 32422350). ClinVar contains an entry for this variant (Variation ID: 2875113). For these reasons, this variant has been classified as Pathogenic.

Literature cited by the submitters: PubMed 24651605 (cited by Labcorp Genetics (formerly Invitae), Labcorp); PubMed 32422350 (cited by Labcorp Genetics (formerly Invitae), Labcorp).